The following is an entry in ClinVar:

ClinVar aggregate classification (germline): Conflicting classifications of pathogenicity. Review status: criteria provided, conflicting classifications (1 of 4 stars). 3 submissions from 3 submitters: Uncertain significance (1); Likely benign (1). 1 of the submissions does not count toward it. Last evaluated 2026-02-04.

Conditions:
SMPD1-related disorder. Also called: SMPD1-related condition.
Niemann-Pick disease, type A. Also called: SPHINGOMYELIN LIPIDOSIS; SPHINGOMYELINASE DEFICIENCY; Infantile Neurovisceral ASMD (Niemann-Pick Disease Type A; NPD-A). Identifiers: Orphanet 77292, MedGen C0268242, MONDO:0009756, OMIM 257200. Disease mechanism: loss of function.
Niemann-Pick disease, type B. Also called: Chronic Visceral ASMD (Niemann-Pick Disease Type B; NPD-B). Identifiers: Orphanet 77293, MedGen C0268243, MONDO:0011871, OMIM 607616. Disease mechanism: loss of function.

Allele frequency attached by ClinVar (database versions not stated): gnomAD 0.00001; gnomAD exomes 0.00002 and 0.00012; TOPMed 0.00004; ExAC 0.00007; 1000 Genomes Project 0.00020; 1000 Genomes Project 30x 0.00031.

Submissions (3):

Labcorp Genetics (formerly Invitae), Labcorp
Classification: Likely benign for Niemann-Pick disease, type B; Niemann-Pick disease, type A. Last evaluated: 2026-02-04. Review status: criteria provided, single submitter. Criteria: Invitae Variant Classification Sherloc (09022015). Collection method: clinical testing. Allele origin: germline.

Eurofins Ntd Llc (ga)
Classification: Uncertain significance. Last evaluated: 2017-02-22. Review status: criteria provided, single submitter. Criteria: EGL Classification Definitions 2015. Collection method: clinical testing. Allele origin: germline. Observed: 1 variant allele, 1 heterozygote.

PreventionGenetics, part of Exact Sciences
Classification: Uncertain significance for SMPD1-related condition. Last evaluated: 2024-06-11. Review status: no assertion criteria provided. Collection method: clinical testing. Allele origin: germline. Not counted in ClinVar's aggregate classification.
Comment: The SMPD1 c.236G>A variant is predicted to result in the amino acid substitution p.Arg79Gln. To our knowledge, this variant has not been reported in the literature. This variant is reported in 0.084% of alleles in individuals of Latino descent in gnomAD. Although we suspect that this variant may be benign, at this time, the clinical significance of this variant is uncertain due to the absence of conclusive functional and genetic evidence.

NM_000543.5(SMPD1):c.236G>A (p.Arg79Gln)

Gene: SMPD1 (sphingomyelin phosphodiesterase 1; plus strand). Cytogenetic location: 11p15.4.
Variant type: single nucleotide variant.
Coding change: c.236G>A on transcript NM_000543.5 (MANE Select); coding-DNA position 236, G replaced by A.
Protein change: p.Arg79Gln; replaces arginine 79 with glutamine.
Molecular consequence: missense variant. On other transcripts: 5 prime UTR variant (1), non-coding transcript variant (2).
Genome position (GRCh38, 1-based): chr11:6,390,834, G>A. VCF-style: chr11-6390834-G-A. GRCh37 (hg19) VCF-style: chr11-6412064-G-A.
Other names: c.236G>A (NM_000543.4); c.236G>A, p.Arg79Gln (NM_001007593.3, NM_001318087.2, NM_001365135.2); c.-726G>A (NM_001318088.2); short protein forms R79Q.
Identifiers: ClinVar variation 500518 (VCV000500518.14), dbSNP rs201647015, ClinGen allele CA5852531.